The following is an entry in ClinVar:

NM_012208.4(HARS2):c.515T>G (p.Phe172Cys)

Gene: HARS2 (histidyl-tRNA synthetase 2, mitochondrial; plus strand). Cytogenetic location: 5q31.3.
Variant type: single nucleotide variant.
Coding change: c.515T>G on transcript NM_012208.4 (MANE Select); coding-DNA position 515, T replaced by G.
Protein change: p.Phe172Cys; replaces phenylalanine 172 with cysteine.
Molecular consequence: missense variant. On other transcripts: intron variant (1).
Genome position (GRCh38, 1-based): chr5:140,695,623, T>G. VCF-style: chr5-140695623-T-G. GRCh37 (hg19) VCF-style: chr5-140075208-T-G.
Other names: c.440T>G, p.Phe147Cys (NM_001278731.2); c.533T>G, p.Phe178Cys (NM_001363535.2); c.305T>G, p.Phe102Cys (NM_001363536.2); c.94-115T>G (NM_001278732.2); short protein forms F102C, F147C, F172C, F178C.
Identifiers: ClinVar variation 3368039 (VCV003368039.1).

ClinVar aggregate classification (germline): Uncertain significance (1 of 4 stars; one submission).

Submission:

GeneDx
Classification: Uncertain significance. Last evaluated: 2024-01-24. Review status: criteria provided, single submitter. Criteria: GeneDx Variant Classification Process June 2021. Collection method: clinical testing. Allele origin: germline. Affected: yes.
Comment: Not observed at significant frequency in large population cohorts (gnomAD); In silico analysis supports that this missense variant has a deleterious effect on protein structure/function; Has not been previously published as pathogenic or benign to our knowledge